The following is an entry in ClinVar:

ClinVar aggregate classification (germline): Uncertain significance (1 of 4 stars; one submission).

Conditions:
Immunodeficiency, common variable, 7. Identifiers: Orphanet 1572, Orphanet 696894, MedGen C3542922, MONDO:0013862, OMIM 614699.

Allele frequency attached by ClinVar (database versions not stated): gnomAD 0.00001.
gnomAD v4.1: 1 of 1,613,886 alleles (0.000062%); highest among the groups gnomAD compares: Admixed American, 0.0017%; no homozygotes.

Submission:

Labcorp Genetics (formerly Invitae), Labcorp
Classification: Uncertain significance for Immunodeficiency, common variable, 7. Last evaluated: 2025-01-20. Review status: criteria provided, single submitter. Criteria: Invitae Variant Classification Sherloc (09022015). Collection method: clinical testing. Allele origin: germline.
Comment: This sequence change replaces alanine, which is neutral and non-polar, with valine, which is neutral and non-polar, at codon 618 of the CR2 protein (p.Ala618Val). This variant is present in population databases (no rsID available, gnomAD 0.1%). This variant has not been reported in the literature in individuals affected with CR2-related conditions. ClinVar contains an entry for this variant (Variation ID: 1956786). An algorithm developed to predict the effect of missense changes on protein structure and function (PolyPhen-2) suggests that this variant is likely to be disruptive. In summary, the available evidence is currently insufficient to determine the role of this variant in disease. Therefore, it has been classified as a Variant of Uncertain Significance.

NM_001006658.3(CR2):c.1853C>T (p.Ala618Val)

Gene: CR2 (complement C3d receptor 2; plus strand). Cytogenetic location: 1q32.2.
Variant type: single nucleotide variant.
Coding change: c.1853C>T on transcript NM_001006658.3 (MANE Select); coding-DNA position 1853, C replaced by T.
Protein change: p.Ala618Val; replaces alanine 618 with valine.
Molecular consequence: missense variant.
Genome position (GRCh38, 1-based): chr1:207,473,054, C>T. VCF-style: chr1-207473054-C-T. GRCh37 (hg19) VCF-style: chr1-207646399-C-T.
Other names: c.1853C>T, p.Ala618Val (NM_001877.5); short protein forms A618V.
Identifiers: ClinVar variation 1956786 (VCV001956786.5), dbSNP rs1216483358, ClinGen allele CA344534833.